The following is an entry in ClinVar:

NM_001177316.2(SLC34A3):c.210del (p.Gly71fs)

Gene: SLC34A3 (solute carrier family 34 member 3; plus strand). Cytogenetic location: 9q34.3.
Variant type: Deletion.
Coding change: c.210del on transcript NM_001177316.2 (MANE Select); coding-DNA position 210, one base deleted (C; older notation c.210delC).
Protein change: p.Gly71fs; shifts the reading frame from glycine 71.
Molecular consequence: frameshift variant.
Genome position (GRCh38, 1-based): chr9:137,232,609, C deleted; the last of 2 consecutive C bases (chr9:137,232,608-137,232,609); deleting either gives the same sequence. VCF-style (leftmost placement, unchanged base first): chr9-137232607-GC-G. GRCh37 (hg19) VCF-style: chr9-140127059-GC-G.
Other names: c.210delC (NM_080877.2); c.210del, p.Gly71fs (NM_001177317.2, NM_080877.3); short protein forms G71fs.
Identifiers: ClinVar variation 423399 (VCV000423399.3), dbSNP rs1064796402, ClinGen allele CA16618813.

ClinVar aggregate classification (germline): Pathogenic (1 of 4 stars; one submission).

Submission:

GeneDx
Classification: Pathogenic. Last evaluated: 2017-02-09. Review status: criteria provided, single submitter. Criteria: GeneDx Variant Classification (06012015). Collection method: clinical testing. Allele origin: germline. Affected: yes.
Comment: The c.210delC variant in the SLC34A3 gene has not been reported previously as a pathogenic variant nor as a benign variant, to our knowledge. The c.210delC variant causes a frameshift starting with codon Glycine 71, changes this amino acid to an Alanine residue, and creates a premature Stop codon at position 81 of the new reading frame, denoted p.Gly71AlafsX81. This variant is predicted to cause loss of normal protein function either through protein truncation or nonsense-mediated mRNA decay. The c.210delC variant is not observed in large population cohorts (Lek et al., 2016; 1000 Genomes Consortium et al., 2015; Exome Variant Server). We interpret c.210delC as a pathogenic variant.